The following is an entry in ClinVar:

NM_004629.2(FANCG):c.1256A>T (p.Glu419Val)

Gene: FANCG (FA complementation group G; minus strand). Cytogenetic location: 9p13.3.
Variant type: single nucleotide variant.
Coding change: c.1256A>T on transcript NM_004629.2 (MANE Select); coding-DNA position 1256, A replaced by T.
Protein change: p.Glu419Val; replaces glutamic acid 419 with valine.
Molecular consequence: missense variant.
Genome position (GRCh38, 1-based): chr9:35,075,642, T>A on the plus strand (A>T on the coding strand, the complement: FANCG is on the minus strand). VCF-style: chr9-35075642-T-A. GRCh37 (hg19) VCF-style: chr9-35075639-T-A.
Other names: short protein forms E419V.
Identifiers: ClinVar variation 5036538 (VCV005036538.1).

ClinVar aggregate classification (germline): Uncertain significance (1 of 4 stars; one submission).

Conditions:
Inborn genetic diseases. Identifiers: MedGen C0950123, MeSH D030342.

Submission:

Ambry Genetics
Classification: Uncertain significance for Inborn genetic diseases. Last evaluated: 2026-08-25. Review status: criteria provided, single submitter. Criteria: Ambry Variant Classification Scheme 2023. Collection method: clinical testing. Allele origin: germline.
Comment: The p.E419V variant (also known as c.1256A>T), located in coding exon 10 of the FANCG gene, results from an A to T substitution at nucleotide position 1256. The glutamic acid at codon 419 is replaced by valine, an amino acid with dissimilar properties. This amino acid position is conserved. In addition, the in silico prediction for this alteration is inconclusive. Based on the available evidence, the clinical significance of this variant remains unclear.